The following is an entry in ClinVar:

ClinVar aggregate classification (germline): Uncertain significance (1 of 4 stars; one submission).

Conditions:
Progressive sclerosing poliodystrophy (MTDPS4A). Also called: Mitochondrial DNA depletion syndrome 4A (Alpers type); ALPERS PROGRESSIVE INFANTILE POLIODYSTROPHY; NEURONAL DEGENERATION OF CHILDHOOD WITH LIVER DISEASE, PROGRESSIVE; Mitochondrial DNA Depletion Syndrome 4A; Alpers-Huttenlocher Syndrome (AHS); Alpers Syndrome. Identifiers: Orphanet 726, MedGen C0205710, MONDO:0008758, OMIM 203700.

Allele frequency attached by ClinVar (database versions not stated): gnomAD exomes 0.00001.
gnomAD v4.1: 12 of 1,614,210 alleles (0.00074%); highest among the groups gnomAD compares: Non-Finnish European, 0.001%; no homozygotes.

Submission:

Labcorp Genetics (formerly Invitae), Labcorp
Classification: Uncertain significance for Progressive sclerosing poliodystrophy. Last evaluated: 2025-11-17. Review status: criteria provided, single submitter. Criteria: Invitae Variant Classification Sherloc (09022015). Collection method: clinical testing. Allele origin: germline.
Comment: This sequence change replaces glycine, which is neutral and non-polar, with tryptophan, which is neutral and slightly polar, at codon 517 of the POLG protein (p.Gly517Trp). This variant is not present in population databases (gnomAD no frequency). This variant has not been reported in the literature in individuals affected with POLG-related conditions. ClinVar contains an entry for this variant (Variation ID: 1487518). Invitae Evidence Modeling of protein sequence and biophysical properties (such as structural, functional, and spatial information, amino acid conservation, physicochemical variation, residue mobility, and thermodynamic stability) indicates that this missense variant is not expected to disrupt POLG protein function with a negative predictive value of 95%. In summary, the available evidence is currently insufficient to determine the role of this variant in disease. Therefore, it has been classified as a Variant of Uncertain Significance.

NM_002693.3(POLG):c.1549G>T (p.Gly517Trp)

Gene: POLG (DNA polymerase gamma, catalytic subunit; minus strand). Cytogenetic location: 15q26.1.
Variant type: single nucleotide variant.
Coding change: c.1549G>T on transcript NM_002693.3 (MANE Select); coding-DNA position 1549, G replaced by T.
Protein change: p.Gly517Trp; replaces glycine 517 with tryptophan.
Molecular consequence: missense variant.
Genome position (GRCh38, 1-based): chr15:89,326,948, C>A on the plus strand (G>T on the coding strand, the complement: POLG is on the minus strand). VCF-style: chr15-89326948-C-A. GRCh37 (hg19) VCF-style: chr15-89870179-C-A.
Other names: c.1549G>T, p.Gly517Trp (NM_001126131.2); short protein forms G517W.
Identifiers: ClinVar variation 1487518 (VCV001487518.4), dbSNP rs1015831792, ClinGen allele CA274556092.
Genomic context (GRCh38, chr15:89,326,948, plus strand): 5'-CTACCTCCCACCCATGCTCCCCACCTTCCTGATCCATGGGATCACCAGGGGCCCCAGCCC[C>A]CTCGATGGGCAACTTGCTGGCTGTGGCTGGTTCCTTCTTCACCTTCTTAGCTTTCTTCTG-3'
Protein context (NP_002684.1, residues 507-527): PATASKLPIE[Gly517Trp]AGAPGDPMDQ